The following is an entry in ClinVar:

ClinVar aggregate classification (germline): Likely pathogenic. Review status: criteria provided, single submitter (1 of 4 stars). 2 submissions from 2 submitters: Likely pathogenic (1). 1 of the submissions does not count toward it. Last evaluated 2025-06-11.

Conditions:
ABCB4-related disorder. Also called: ABCB4-related disorders; ABCB4-related condition.

Submissions (2):

GeneDx
Classification: Likely pathogenic. Last evaluated: 2025-06-11. Review status: criteria provided, single submitter. Criteria: GeneDx Variant Classification Process June 2021. Collection method: clinical testing. Allele origin: germline. Affected: yes.
Comment: Frameshift variant predicted to result in protein truncation or nonsense mediated decay in a gene for which loss of function is a known mechanism of disease; Not observed at significant frequency in large population cohorts (gnomAD); Has not been previously published as pathogenic or benign to our knowledge

PreventionGenetics, part of Exact Sciences
Classification: Likely pathogenic for ABCB4-related condition. Last evaluated: 2024-07-26. Review status: no assertion criteria provided. Collection method: clinical testing. Allele origin: germline. Not counted in ClinVar's aggregate classification.
Comment: The ABCB4 c.217dupC variant is predicted to result in a frameshift and premature protein termination (p.Leu73Profs*11). To our knowledge, this variant has not been reported in the literature or in a large population database, indicating this variant is rare. Frameshift variants in ABCB4 are expected to be pathogenic. This variant is interpreted as likely pathogenic.

NM_000443.4(ABCB4):c.217dup (p.Leu73fs)

Gene: ABCB4 (ATP binding cassette subfamily B member 4; minus strand). Cytogenetic location: 7q21.12.
Variant type: Duplication.
Coding change: c.217dup on transcript NM_000443.4 (MANE Select); coding-DNA position 217, one base duplicated (C; older notation c.217dupC).
Protein change: p.Leu73fs; shifts the reading frame from leucine 73.
Molecular consequence: frameshift variant.
Genome position (GRCh38, 1-based): chr7:87,462,827, G duplicated on the plus strand (C on the coding strand, the reverse complement: ABCB4 is on the minus strand); the first of 5 consecutive G bases (chr7:87,462,827-87,462,831); duplicating any one gives the same sequence. VCF-style (leftmost placement, unchanged base first): chr7-87462826-A-AG. GRCh37 (hg19) VCF-style: chr7-87092142-A-AG.
Other names: c.217dupC (NM_000443.3); c.217dup (NM_000443.3); c.217dup, p.Leu73fs (NM_018849.3, NM_018850.3); short protein forms L73fs.
Identifiers: ClinVar variation 3345414 (VCV003345414.2).
Genomic context (GRCh38, chr7:87,462,826, plus strand): 5'-GAGAAGTTTCCTGCAGTATCAACAAATTTGTCAGTCATCTCTCCAAATACTATCATCATG[A>AG]GGGGGAGACCTGATCCGTGAGCTATGGCCATGATGGTACCCAGCGACATAAACAATTTAT-3'